The following is an entry in ClinVar:

ClinVar aggregate classification (germline): Uncertain significance. Review status: criteria provided, single submitter (1 of 4 stars). 3 submissions from 3 submitters: Uncertain significance (1). 2 of the submissions do not count toward it. Last evaluated 2022-10-17.

Allele frequency attached by ClinVar (database versions not stated): ExAC 0.00001; gnomAD exomes 0.00002; TOPMed 0.00003; gnomAD 0.00004.

Submissions (3):

Labcorp Genetics (formerly Invitae), Labcorp
Classification: Uncertain significance. Last evaluated: 2022-10-17. Review status: criteria provided, single submitter. Criteria: Invitae Variant Classification Sherloc (09022015). Collection method: clinical testing. Allele origin: germline.
Comment: This sequence change replaces methionine, which is neutral and non-polar, with valine, which is neutral and non-polar, at codon 1295 of the LTBP2 protein (p.Met1295Val). This variant is present in population databases (rs776746432, gnomAD 0.01%). This variant has not been reported in the literature in individuals affected with LTBP2-related conditions. ClinVar contains an entry for this variant (Variation ID: 1206174). Algorithms developed to predict the effect of missense changes on protein structure and function output the following: SIFT: "Tolerated"; PolyPhen-2: "Benign"; Align-GVGD: "Class C0". The valine amino acid residue is found in multiple mammalian species, which suggests that this missense change does not adversely affect protein function. In summary, the available evidence is currently insufficient to determine the role of this variant in disease. Therefore, it has been classified as a Variant of Uncertain Significance.

Clinical Genetics DNA and cytogenetics Diagnostics Lab, Erasmus MC, Erasmus Medical Center
Classification: Likely benign. Review status: no assertion criteria provided. Collection method: clinical testing. Allele origin: germline. Affected: yes. Study: VKGL Data-share Consensus. Not counted in ClinVar's aggregate classification.

Laboratory of Diagnostic Genome Analysis, Leiden University Medical Center (LUMC)
Classification: Likely benign. Review status: no assertion criteria provided. Collection method: clinical testing. Allele origin: germline. Affected: yes. Study: VKGL Data-share Consensus. Not counted in ClinVar's aggregate classification.

NM_000428.3(LTBP2):c.3883A>G (p.Met1295Val)

Gene: LTBP2 (latent transforming growth factor beta binding protein 2; minus strand). Cytogenetic location: 14q24.3.
Variant type: single nucleotide variant.
Coding change: c.3883A>G on transcript NM_000428.3 (MANE Select); coding-DNA position 3883, A replaced by G.
Protein change: p.Met1295Val; replaces methionine 1295 with valine.
Molecular consequence: missense variant.
Genome position (GRCh38, 1-based): chr14:74,507,203, T>C on the plus strand (A>G on the coding strand, the complement: LTBP2 is on the minus strand). VCF-style: chr14-74507203-T-C. GRCh37 (hg19) VCF-style: chr14-74973906-T-C.
Other names: short protein forms M1295V.
Identifiers: ClinVar variation 1206174 (VCV001206174.7), dbSNP rs776746432, ClinGen allele CA7269006.
Genomic context (GRCh38, chr14:74,507,203, plus strand): 5'-AGCCCTCTCTCCTCTCTCTCCTCCCTCCCTACTCACCAATGCAGTCTCCGTTCGGGGCCA[T>C]GTGGAAGCCAGGCTGGCAGCCCAGAACACAGCGGTAGGAGCCAGGGCTGTTTTCACACTT-3'
Protein context (NP_000419.1, residues 1285-1305): CVLGCQPGFH[Met1295Val]APNGDCIDID